The following is an entry in ClinVar:

ClinVar aggregate classification (germline): Uncertain significance (1 of 4 stars; one submission).

Conditions:
GREB1L-related disorder. Also called: GREB1L-related condition.

Submission:

PreventionGenetics, part of Exact Sciences
Classification: Uncertain significance for GREB1L-related condition. Last evaluated: 2022-09-16. Review status: criteria provided, single submitter. Criteria: ACMG Guidelines, 2015. Collection method: clinical testing. Allele origin: germline.
Comment: The GREB1L c.1505T>C variant is predicted to result in the amino acid substitution p.Val502Ala. To our knowledge, this variant has not been reported in the literature or in a large population database, indicating this variant is rare. At this time, the clinical significance of this variant is uncertain due to the absence of conclusive functional and genetic evidence.

NM_001142966.3(GREB1L):c.1505T>C (p.Val502Ala)

Genes: GREB1L (GREB1 like retinoic acid receptor coactivator; plus strand), GREB1L-AS1 (GREB1L antisense RNA 1; minus strand). Cytogenetic location: 18q11.1.
Variant type: single nucleotide variant.
Coding change: c.1505T>C on transcript NM_001142966.3 (MANE Select); coding-DNA position 1505, T replaced by C.
Protein change: p.Val502Ala; replaces valine 502 with alanine.
Molecular consequence: missense variant. On other transcripts: intron variant (1).
Genome position (GRCh38, 1-based): chr18:21,449,621, T>C. VCF-style: chr18-21449621-T-C. GRCh37 (hg19) VCF-style: chr18-19029582-T-C.
Other names: c.1634T>C, p.Val545Ala (NM_001410867.1); c.1394-1402T>C (NM_001410868.1); short protein forms V502A, V545A.
Identifiers: ClinVar variation 2637112 (VCV002637112.1), dbSNP rs2511438193, ClinGen allele CA401732564.